The following is an entry in ClinVar:

ClinVar aggregate classification (germline): Uncertain significance (0 of 4 stars; one submission).

Conditions:
MED12L-related disorder. Also called: MED12L-related condition.

Submission:

PreventionGenetics, part of Exact Sciences
Classification: Uncertain significance for MED12L-related condition. Last evaluated: 2024-06-14. Review status: no assertion criteria provided. Collection method: clinical testing. Allele origin: germline.
Comment: The MED12L c.5098G>A variant is predicted to result in the amino acid substitution p.Val1700Met. To our knowledge, this variant has not been reported in the literature or in a large population database, indicating this variant is rare. At this time, the clinical significance of this variant is uncertain due to the absence of conclusive functional and genetic evidence.

NM_001393769.1(MED12L):c.5203G>A (p.Val1735Met)

Gene: MED12L (mediator complex subunit 12L; plus strand). Cytogenetic location: 3q25.1.
Variant type: single nucleotide variant.
Coding change: c.5203G>A on transcript NM_001393769.1 (MANE Select); coding-DNA position 5203, G replaced by A.
Protein change: p.Val1735Met; replaces valine 1735 with methionine.
Molecular consequence: missense variant.
Genome position (GRCh38, 1-based): chr3:151,387,924, G>A. VCF-style: chr3-151387924-G-A. GRCh37 (hg19) VCF-style: chr3-151105712-G-A.
Other names: c.5098G>A, p.Val1700Met (NM_053002.6); short protein forms V1700M, V1735M.
Identifiers: ClinVar variation 3347167 (VCV003347167.1).
Genomic context (GRCh38, chr3:151,387,924, plus strand): 5'-CAGAAGAACCCAGCTCCTTTGTCCTGGGCCTGGTTTGGGACAGTCCGAGTGGACCGAAGA[G>A]TGATCAAGTACGAGGAGCAGCATCACCTCCTGCTGTATCACACACACCCCATGCCCAAGC-3'
Protein context (NP_001380698.1, residues 1725-1745): WFGTVRVDRR[Val1735Met]IKYEEQHHLL